The following is an entry in ClinVar:

ClinVar aggregate classification (germline): Uncertain significance. Review status: criteria provided, multiple submitters, no conflicts (2 of 4 stars). 2 submissions from 2 submitters: Uncertain significance (2). Last evaluated 2024-05-06.

Allele frequency attached by ClinVar (database versions not stated): gnomAD 0.00001; gnomAD exomes 0.00002 and 0.00004; TOPMed 0.00002; ExAC 0.00003; ESP Exome Variant Server 0.00015.
gnomAD v4.1: 35 of 1,612,522 alleles (0.0022%); highest among the groups gnomAD compares: Non-Finnish European, 0.0028%; no homozygotes.

Submissions (2):

Labcorp Genetics (formerly Invitae), Labcorp
Classification: Uncertain significance. Last evaluated: 2024-05-06. Review status: criteria provided, single submitter. Criteria: Invitae Variant Classification Sherloc (09022015). Collection method: clinical testing. Allele origin: germline.
Comment: This sequence change replaces aspartic acid, which is acidic and polar, with asparagine, which is neutral and polar, at codon 337 of the GRM6 protein (p.Asp337Asn). This variant is present in population databases (rs375765382, gnomAD 0.007%). This variant has not been reported in the literature in individuals affected with GRM6-related conditions. ClinVar contains an entry for this variant (Variation ID: 1361676). Advanced modeling of protein sequence and biophysical properties (such as structural, functional, and spatial information, amino acid conservation, physicochemical variation, residue mobility, and thermodynamic stability) performed at Invitae indicates that this missense variant is not expected to disrupt GRM6 protein function with a negative predictive value of 80%. In summary, the available evidence is currently insufficient to determine the role of this variant in disease. Therefore, it has been classified as a Variant of Uncertain Significance.

Blueprint Genetics
Classification: Uncertain significance. Last evaluated: 2024-01-19. Review status: criteria provided, single submitter. Criteria: ACMG Guidelines, 2015. Collection method: clinical testing. Allele origin: germline.

NM_000843.4(GRM6):c.1009G>A (p.Asp337Asn)

Gene: GRM6 (glutamate metabotropic receptor 6; minus strand). Cytogenetic location: 5q35.3.
Variant type: single nucleotide variant.
Coding change: c.1009G>A on transcript NM_000843.4 (MANE Select); coding-DNA position 1009, G replaced by A.
Protein change: p.Asp337Asn; replaces aspartic acid 337 with asparagine.
Molecular consequence: missense variant.
Genome position (GRCh38, 1-based): chr5:178,990,595, C>T on the plus strand (G>A on the coding strand, the complement: GRM6 is on the minus strand). VCF-style: chr5-178990595-C-T. GRCh37 (hg19) VCF-style: chr5-178417596-C-T.
Other names: short protein forms D337N.
Identifiers: ClinVar variation 1361676 (VCV001361676.6), dbSNP rs375765382, ClinGen allele CA3594284.
Genomic context (GRCh38, chr5:178,990,595, plus strand): 5'-CAAGAGGGGGTGCTGGGGAGACGTGTGGGGTGGGGGATGGAGTGCCCCTGGACTCACCGT[C>T]GATGGAGGCCCTTTTGGGCAGGATGGTGATGGCCCCAACGGCCACGTCCTCCAGGCTCAA-3'
Protein context (NP_000834.2, residues 327-347): ITILPKRASI[Asp337Asn]GFDQYFMTRS